The following is an entry in ClinVar:

ClinVar aggregate classification (germline): Uncertain significance (1 of 4 stars; one submission).

gnomAD v4.1: 5 of 1,612,502 alleles (0.00031%); highest among the groups gnomAD compares: East Asian, 0.0045%; no homozygotes.

Submission:

GeneDx
Classification: Uncertain significance. Last evaluated: 2025-01-06. Review status: criteria provided, single submitter. Criteria: GeneDx Variant Classification Process June 2021. Collection method: clinical testing. Allele origin: germline. Affected: yes.
Comment: Not observed at significant frequency in large population cohorts (gnomAD); In silico analysis supports that this missense variant has a deleterious effect on protein structure/function; Has not been previously published as pathogenic or benign to our knowledge

NM_022489.4(INF2):c.766G>A (p.Glu256Lys)

Gene: INF2 (inverted formin 2; plus strand). Cytogenetic location: 14q32.33.
Variant type: single nucleotide variant.
Coding change: c.766G>A on transcript NM_022489.4 (MANE Select); coding-DNA position 766, G replaced by A.
Protein change: p.Glu256Lys; replaces glutamic acid 256 with lysine.
Molecular consequence: missense variant. On other transcripts: non-coding transcript variant (1).
Genome position (GRCh38, 1-based): chr14:104,706,099, G>A. VCF-style: chr14-104706099-G-A. GRCh37 (hg19) VCF-style: chr14-105172436-G-A.
Other names: c.766G>A, p.Glu256Lys (NM_001031714.4, NM_001426862.1, NM_001426863.1 and 2 more transcripts); short protein forms E256K.
Identifiers: ClinVar variation 4056045 (VCV004056045.1).